The following is an entry in ClinVar:

ClinVar aggregate classification (germline): Uncertain significance. Review status: criteria provided, multiple submitters, no conflicts (2 of 4 stars). 3 submissions from 3 submitters: Uncertain significance (3). Last evaluated 2025-03-15.

Conditions:
46,XY sex reversal 7. Also called: DHH-Related 46,XY complete gonadal dysgenesis; GONADAL DYSGENESIS, XY, MALE-LIMITED; 46,XY SEX REVERSAL, PARTIAL OR COMPLETE, DHH-RELATED; 46,XY GONADAL DYSGENESIS, PARTIAL OR COMPLETE, DHH-RELATED. Identifiers: Orphanet 242, MedGen C1856273, MONDO:0009301, OMIM 233420.
Inborn genetic diseases. Identifiers: MedGen C0950123, MeSH D030342.

Allele frequency attached by ClinVar (database versions not stated): gnomAD exomes 0.00001 and 0.00003; gnomAD 0.00002; TOPMed 0.00003.

Submissions (3):

Ambry Genetics
Classification: Uncertain significance for Inborn genetic diseases. Last evaluated: 2025-03-15. Review status: criteria provided, single submitter. Criteria: Ambry Variant Classification Scheme 2023. Collection method: clinical testing. Allele origin: germline.

Blueprint Genetics
Classification: Uncertain significance. Last evaluated: 2024-04-17. Review status: criteria provided, single submitter. Criteria: ACMG Guidelines, 2015. Collection method: clinical testing. Allele origin: germline.

Labcorp Genetics (formerly Invitae), Labcorp
Classification: Uncertain significance for 46,XY sex reversal 7. Last evaluated: 2017-10-03. Review status: criteria provided, single submitter. Criteria: Invitae Variant Classification Sherloc (09022015). Collection method: clinical testing. Allele origin: germline.
Comment: In summary, the available evidence is currently insufficient to determine the role of this variant in disease. Therefore, it has been classified as a Variant of Uncertain Significance. Algorithms developed to predict the effect of missense changes on protein structure and function output the following: SIFT: "Tolerated"; PolyPhen-2: "Benign"; Align-GVGD: "Class C0". The glutamic acid amino acid residue is found in multiple mammalian species, suggesting that this missense change does not adversely affect protein function. These predictions have not been confirmed by published functional studies and their clinical significance is uncertain. This variant has not been reported in the literature in individuals with DHH-related disease. While this variant is not present in population databases, the frequency information is unreliable, as metrics indicate poor data quality at this position in the ExAC database. This sequence change replaces alanine with glutamic acid at codon 287 of the DHH protein (p.Ala287Glu). The alanine residue is moderately conserved and there is a moderate physicochemical difference between alanine and glutamic acid.

NM_021044.4(DHH):c.860C>A (p.Ala287Glu)

Gene: DHH (desert hedgehog signaling molecule; minus strand). Cytogenetic location: 12q13.12.
Variant type: single nucleotide variant.
Coding change: c.860C>A on transcript NM_021044.4 (MANE Select); coding-DNA position 860, C replaced by A.
Protein change: p.Ala287Glu; replaces alanine 287 with glutamic acid.
Molecular consequence: missense variant.
Genome position (GRCh38, 1-based): chr12:49,090,190, G>T on the plus strand (C>A on the coding strand, the complement: DHH is on the minus strand). VCF-style: chr12-49090190-G-T. GRCh37 (hg19) VCF-style: chr12-49483973-G-T.
Other names: short protein forms A287E.
Identifiers: ClinVar variation 466305 (VCV000466305.10), dbSNP rs1033987082, ClinGen allele CA236651696.